The following is an entry in ClinVar:

ClinVar aggregate classification (germline): Uncertain significance. Review status: criteria provided, multiple submitters, no conflicts (2 of 4 stars). 5 submissions from 5 submitters: Uncertain significance (5). Last evaluated 2025-07-26.

Conditions:
Intellectual disability, autosomal recessive 53 (NEDHSCA). Also called: GLYCOSYLPHOSPHATIDYLINOSITOL BIOSYNTHESIS DEFECT 13; Mental retardation, autosomal recessive 53; NEURODEVELOPMENTAL DISORDER WITH OR WITHOUT HYPOTONIA, SEIZURES, AND CEREBELLAR ATROPHY. Identifiers: Orphanet 488635, MedGen C4310794, MONDO:0014832, OMIM 616917.
Inborn genetic diseases. Identifiers: MedGen C0950123, MeSH D030342.

Allele frequency attached by ClinVar (database versions not stated): gnomAD 0.00002; TOPMed 0.00003; gnomAD exomes 0.00006; ExAC 0.00008.
gnomAD v4.1: 83 of 1,612,046 alleles (0.0051%); highest among the groups gnomAD compares: South Asian, 0.021%; no homozygotes.

Submissions (5):

Dasa
Classification: Uncertain significance. Last evaluated: 2025-07-26. Review status: criteria provided, single submitter. Criteria: DASA Assertion Criteria. Collection method: clinical testing. Allele origin: germline.
Comment: NM_001127178.3(PIGG):c.2825G>A (p.Arg942His) is a missense variant that results in the substitution of arginine with histidine. This variant is rare in population databases. Computational prediction algorithms are consistent with a deleterious effect. The currently available literature and clinical evidence are not sufficient to establish a definitive association between this variant and the reported condition. Therefore, this variant is classified as a variant of uncertain significance.

Ambry Genetics
Classification: Uncertain significance for Inborn genetic diseases. Last evaluated: 2024-10-09. Review status: criteria provided, single submitter. Criteria: Ambry Variant Classification Scheme 2023. Collection method: clinical testing. Allele origin: germline.

Genomic Medicine Center of Excellence, King Faisal Specialist Hospital and Research Centre
Classification: Uncertain significance for Intellectual disability, autosomal recessive 53. Last evaluated: 2024-09-22. Review status: criteria provided, single submitter. Criteria: ACMG Guidelines, 2015. Collection method: clinical testing. Allele origin: germline.

Blueprint Genetics
Classification: Uncertain significance. Last evaluated: 2024-04-10. Review status: criteria provided, single submitter. Criteria: ACMG Guidelines, 2015. Collection method: clinical testing. Allele origin: germline.

Labcorp Genetics (formerly Invitae), Labcorp
Classification: Uncertain significance for Intellectual disability, autosomal recessive 53. Last evaluated: 2022-08-31. Review status: criteria provided, single submitter. Criteria: Invitae Variant Classification Sherloc (09022015). Collection method: clinical testing. Allele origin: germline.
Comment: This sequence change replaces arginine, which is basic and polar, with histidine, which is basic and polar, at codon 942 of the PIGG protein (p.Arg942His). This variant is present in population databases (rs755336453, gnomAD 0.02%). This variant has not been reported in the literature in individuals affected with PIGG-related conditions. ClinVar contains an entry for this variant (Variation ID: 641603). Algorithms developed to predict the effect of missense changes on protein structure and function are either unavailable or do not agree on the potential impact of this missense change (SIFT: "Deleterious"; PolyPhen-2: "Probably Damaging"; Align-GVGD: "Class C0"). In summary, the available evidence is currently insufficient to determine the role of this variant in disease. Therefore, it has been classified as a Variant of Uncertain Significance.

NM_001127178.3(PIGG):c.2825G>A (p.Arg942His)

Gene: PIGG (phosphatidylinositol glycan anchor biosynthesis class G (EMM blood group); plus strand). Cytogenetic location: 4p16.3.
Variant type: single nucleotide variant.
Coding change: c.2825G>A on transcript NM_001127178.3 (MANE Select); coding-DNA position 2825, G replaced by A.
Protein change: p.Arg942His; replaces arginine 942 with histidine.
Molecular consequence: missense variant. On other transcripts: non-coding transcript variant (10).
Genome position (GRCh38, 1-based): chr4:539,242, G>A. VCF-style: chr4-539242-G-A. GRCh37 (hg19) VCF-style: chr4-533031-G-A.
Other names: c.2558G>A, p.Arg853His (NM_001289051.2, NM_001345986.2); c.2426G>A, p.Arg809His (NM_001289052.2); c.2534G>A, p.Arg845His (NM_001345987.2); c.1796G>A, p.Arg599His (NM_001345988.2); c.1292G>A, p.Arg431His (NM_001345990.2, NM_001345991.2); c.1727G>A, p.Arg576His (NM_001345994.2); c.2801G>A, p.Arg934His (NM_017733.5); c.2825G>A (NM_001127178.1); short protein forms R942H, R576H, R599H, R809H, R853H, R934H, R431H, R845H.
Identifiers: ClinVar variation 641603 (VCV000641603.9), dbSNP rs755336453, ClinGen allele CA2793768.